The following is an entry in ClinVar:

ClinVar aggregate classification (germline): Conflicting classifications of pathogenicity. Review status: criteria provided, conflicting classifications (1 of 4 stars). 3 submissions from 3 submitters: Uncertain significance (2); Likely benign (1). Last evaluated 2025-08-05.

Conditions:
Gorlin syndrome. Also called: Basal cell nevus syndrome; Nevoid Basal Cell Carcinoma Syndrome. Identifiers: Orphanet 377, MedGen C0004779, MONDO:0007187.
Hereditary cancer-predisposing syndrome. Also called: Tumor predisposition; Hereditary neoplastic syndrome; Hereditary Cancer Syndrome; Neoplastic Syndromes, Hereditary. Identifiers: Orphanet 140162, MedGen C0027672, MeSH D009386, MONDO:0015356.
PTCH1-related disorder. Also called: PTCH1-related disorders; PTCH1-related condition.

Allele frequency attached by ClinVar (database versions not stated): gnomAD exomes below 0.00001.
gnomAD v4.1: 1 of 1,614,204 alleles (0.000062%); highest among the groups gnomAD compares: Non-Finnish European, 0.000085%; no homozygotes.

Submissions (3):

Ambry Genetics
Classification: Likely benign for Hereditary cancer-predisposing syndrome. Last evaluated: 2025-08-05. Review status: criteria provided, single submitter. Criteria: Ambry Variant Classification Scheme 2023. Collection method: clinical testing. Allele origin: germline.

PreventionGenetics, part of Exact Sciences
Classification: Uncertain significance for PTCH1-related condition. Last evaluated: 2025-07-05. Review status: criteria provided, single submitter. Criteria: ACMG Guidelines, 2015. Collection method: clinical testing. Allele origin: germline.
Comment: The PTCH1 c.2471G>A variant is predicted to result in the amino acid substitution p.Arg824Lys. To our knowledge, this variant has not been reported in the literature or in a large population database (gnomAD), indicating this variant is rare. This variant is classified as a variant of uncertain significance in ClinVar. At this time, the clinical significance of this variant is uncertain due to the absence of conclusive functional and genetic evidence.

Labcorp Genetics (formerly Invitae), Labcorp
Classification: Uncertain significance for Gorlin syndrome. Last evaluated: 2022-04-24. Review status: criteria provided, single submitter. Criteria: Invitae Variant Classification Sherloc (09022015). Collection method: clinical testing. Allele origin: germline.
Comment: This variant has not been reported in the literature in individuals affected with PTCH1-related conditions. This variant is not present in population databases (gnomAD no frequency). This sequence change replaces arginine, which is basic and polar, with lysine, which is basic and polar, at codon 824 of the PTCH1 protein (p.Arg824Lys). Advanced modeling of protein sequence and biophysical properties (such as structural, functional, and spatial information, amino acid conservation, physicochemical variation, residue mobility, and thermodynamic stability) performed at Invitae indicates that this missense variant is not expected to disrupt PTCH1 protein function. In summary, the available evidence is currently insufficient to determine the role of this variant in disease. Therefore, it has been classified as a Variant of Uncertain Significance.

NM_000264.5(PTCH1):c.2471G>A (p.Arg824Lys)

Genes: PTCH1 (patched 1; minus strand), LOC100507346 (uncharacterized LOC100507346; plus strand). Cytogenetic location: 9q22.32.
Variant type: single nucleotide variant.
Coding change: c.2471G>A on transcript NM_000264.5 (MANE Select); coding-DNA position 2471, G replaced by A.
Protein change: p.Arg824Lys; replaces arginine 824 with lysine.
Molecular consequence: missense variant. On other transcripts: non-coding transcript variant (2).
Genome position (GRCh38, 1-based): chr9:95,467,205, C>T on the plus strand (G>A on the coding strand, the complement: PTCH1 is on the minus strand). VCF-style: chr9-95467205-C-T. GRCh37 (hg19) VCF-style: chr9-98229487-C-T.
Other names: c.2273G>A, p.Arg758Lys (NM_001083602.3); c.2468G>A, p.Arg823Lys (NM_001083603.3); c.2018G>A, p.Arg673Lys (NM_001083604.3, NM_001083605.3, NM_001083606.3 and 1 more transcripts); c.2315G>A, p.Arg772Lys (NM_001354918.2); short protein forms R823K, R772K, R673K, R758K, R824K.
Identifiers: ClinVar variation 1916757 (VCV001916757.7), dbSNP rs2117955248, ClinGen allele CA374114041.